The following is an entry in ClinVar:

NM_001365677.2(P4HA2):c.1371+1G>A

Gene: P4HA2 (prolyl 4-hydroxylase subunit alpha 2; minus strand). Cytogenetic location: 5q31.1.
Variant type: single nucleotide variant.
Coding change: c.1371+1G>A on transcript NM_001365677.2 (MANE Plus Clinical); the canonical splice donor site of the intron after coding-DNA position 1371, G replaced by A.
Molecular consequence: splice donor variant. On other transcripts: intron variant (6).
Genome position (GRCh38, 1-based): chr5:132,198,205, C>T on the plus strand (G>A on the coding strand, the complement: P4HA2 is on the minus strand). VCF-style: chr5-132198205-C-T. GRCh37 (hg19) VCF-style: chr5-131533898-C-T.
Other names: NC_000005.9:g.131533898C>T; c.1188+116G>A (NM_001365681.2); c.1365+116G>A (NM_001017974.2, NM_001142598.2, NM_001365680.2 and 2 more transcripts); c.1371+1G>A (NM_001142599.2, NM_004199.3).
Identifiers: ClinVar variation 711932 (VCV000711932.7), dbSNP rs141989159, ClinGen allele CA3402404.

ClinVar aggregate classification (germline): Likely benign. Review status: criteria provided, multiple submitters, no conflicts (2 of 4 stars). 2 submissions from 2 submitters: Likely benign (2). Last evaluated 2024-12-12.

Conditions:
P4HA2-related disorder. Also called: P4HA2-related condition.

Allele frequency attached by ClinVar (database versions not stated): gnomAD exomes 0.00033; ExAC 0.00041; ESP Exome Variant Server 0.00077; gnomAD 0.00116 and 0.00109; TOPMed 0.00127; 1000 Genomes Project 30x 0.00078; 1000 Genomes Project 0.00080.
gnomAD v4.1: 364 of 1,614,096 alleles (0.023%); highest among the groups gnomAD compares: African/African-American, 0.38%; no homozygotes.

Submissions (3):

PreventionGenetics, part of Exact Sciences
Classification: Likely benign for P4HA2-related condition. Last evaluated: 2024-12-12. Review status: criteria provided, single submitter. Criteria: ACMG Guidelines, 2015. Collection method: clinical testing. Allele origin: germline.
Comment: This variant is classified as likely benign based on ACMG/AMP sequence variant interpretation guidelines (Richards et al. 2015 PMID: 25741868, with internal and published modifications).

Labcorp Genetics (formerly Invitae), Labcorp
Classification: Likely benign. Last evaluated: 2019-12-31. Review status: criteria provided, single submitter. Criteria: Invitae Variant Classification Sherloc (09022015). Collection method: clinical testing. Allele origin: germline.

Dr. Peter K. Rogan Lab, Western University
No classification provided (evidence only). Condition: Uterine corpus endometrial carcinoma. Review status: no classification provided. Collection method: in vitro. Allele origin: not applicable. Functional consequence: skipped exon. Not counted in ClinVar's aggregate classification.